The following is an entry in ClinVar:

ClinVar aggregate classification (germline): Uncertain significance. Review status: criteria provided, multiple submitters, no conflicts (2 of 4 stars). 4 submissions from 4 submitters: Uncertain significance (3). 1 of the submissions does not count toward it. Last evaluated 2025-09-01.

Conditions:
NOTCH2-related disorder. Also called: NOTCH2-related condition.
Alagille syndrome due to a NOTCH2 point mutation. Also called: Alagille syndrome 2. Identifiers: Orphanet 261629, Orphanet 52, MedGen C1857761, MONDO:0012439, OMIM 610205.
Hajdu-Cheney syndrome (HJCYS). Also called: Acroosteolysis dominant type; ACROOSTEOLYSIS WITH OSTEOPOROSIS AND CHANGES IN SKULL AND MANDIBLE; SERPENTINE FIBULA-POLYCYSTIC KIDNEY SYNDROME. Identifiers: Orphanet 955, MedGen C0917715, MONDO:0007057, OMIM 102500.
Inborn genetic diseases. Identifiers: MedGen C0950123, MeSH D030342.

Allele frequency attached by ClinVar (database versions not stated): gnomAD 0.00001; gnomAD exomes 0.00001; TOPMed 0.00003.

Submissions (4):

Ambry Genetics
Classification: Uncertain significance for Inborn genetic diseases. Last evaluated: 2025-09-01. Review status: criteria provided, single submitter. Criteria: Ambry Variant Classification Scheme 2023. Collection method: clinical testing. Allele origin: germline.

Labcorp Genetics (formerly Invitae), Labcorp
Classification: Uncertain significance for Hajdu-Cheney syndrome. Last evaluated: 2025-01-07. Review status: criteria provided, single submitter. Criteria: Invitae Variant Classification Sherloc (09022015). Collection method: clinical testing. Allele origin: germline.
Comment: This sequence change replaces arginine, which is basic and polar, with histidine, which is basic and polar, at codon 356 of the NOTCH2 protein (p.Arg356His). The frequency data for this variant in the population databases is considered unreliable, as metrics indicate poor data quality at this position in the gnomAD database. This variant has not been reported in the literature in individuals affected with NOTCH2-related conditions. ClinVar contains an entry for this variant (Variation ID: 3049837). An algorithm developed to predict the effect of missense changes on protein structure and function (PolyPhen-2) suggests that this variant is likely to be disruptive. In summary, the available evidence is currently insufficient to determine the role of this variant in disease. Therefore, it has been classified as a Variant of Uncertain Significance.

Fulgent Genetics
Classification: Uncertain significance for Hajdu-Cheney syndrome; Alagille syndrome due to a NOTCH2 point mutation. Last evaluated: 2024-01-06. Review status: criteria provided, single submitter. Criteria: ACMG Guidelines, 2015. Collection method: clinical testing. Allele origin: germline.

PreventionGenetics, part of Exact Sciences
Classification: Uncertain significance for NOTCH2-related condition. Last evaluated: 2023-11-01. Review status: no assertion criteria provided. Collection method: clinical testing. Allele origin: germline. Not counted in ClinVar's aggregate classification.
Comment: The NOTCH2 c.1067G>A variant is predicted to result in the amino acid substitution p.Arg356His. To our knowledge, this variant has not been reported in the literature. This variant is reported in 0.0040% of alleles in individuals of African descent in gnomAD. At this time, the clinical significance of this variant is uncertain due to the absence of conclusive functional and genetic evidence.

NM_024408.4(NOTCH2):c.1067G>A (p.Arg356His)

Gene: NOTCH2 (notch receptor 2; minus strand). Cytogenetic location: 1p12.
Variant type: single nucleotide variant.
Coding change: c.1067G>A on transcript NM_024408.4 (MANE Select); coding-DNA position 1067, G replaced by A.
Protein change: p.Arg356His; replaces arginine 356 with histidine.
Molecular consequence: missense variant.
Genome position (GRCh38, 1-based): chr1:119,969,552, C>T on the plus strand (G>A on the coding strand, the complement: NOTCH2 is on the minus strand). VCF-style: chr1-119969552-C-T. GRCh37 (hg19) VCF-style: chr1-120512175-C-T.
Other names: c.1067G>A, p.Arg356His (NM_001200001.2); short protein forms R356H.
Identifiers: ClinVar variation 3049837 (VCV003049837.6), dbSNP rs782758990, ClinGen allele CA30305879.